The following is an entry in ClinVar:

ClinVar aggregate classification (germline): Uncertain significance (1 of 4 stars; one submission).

Conditions:
Congenital contractural arachnodactyly (CCA). Also called: BEALS SYNDROME; Arthrogryposis, distal, type 9; Beals-Hecht syndrome. Identifiers: Orphanet 115, MedGen C0220668, MONDO:0007363, OMIM 121050.

Submission:

Labcorp Genetics (formerly Invitae), Labcorp
Classification: Uncertain significance for Congenital contractural arachnodactyly. Last evaluated: 2025-01-01. Review status: criteria provided, single submitter. Criteria: Invitae Variant Classification Sherloc (09022015). Collection method: clinical testing. Allele origin: germline.
Comment: This sequence change replaces aspartic acid, which is acidic and polar, with glutamic acid, which is acidic and polar, at codon 1073 of the FBN2 protein (p.Asp1073Glu). This variant is not present in population databases (gnomAD no frequency). This variant has not been reported in the literature in individuals affected with FBN2-related conditions. An algorithm developed to predict the effect of missense changes on protein structure and function (PolyPhen-2) suggests that this variant is likely to be tolerated. In summary, the available evidence is currently insufficient to determine the role of this variant in disease. Therefore, it has been classified as a Variant of Uncertain Significance.

NM_001999.4(FBN2):c.3219C>A (p.Asp1073Glu)

Gene: FBN2 (fibrillin 2; minus strand). Cytogenetic location: 5q23.3.
Variant type: single nucleotide variant.
Coding change: c.3219C>A on transcript NM_001999.4 (MANE Select); coding-DNA position 3219, C replaced by A.
Protein change: p.Asp1073Glu; replaces aspartic acid 1073 with glutamic acid.
Molecular consequence: missense variant.
Genome position (GRCh38, 1-based): chr5:128,344,509, G>T on the plus strand (C>A on the coding strand, the complement: FBN2 is on the minus strand). VCF-style: chr5-128344509-G-T. GRCh37 (hg19) VCF-style: chr5-127680201-G-T.
Other names: short protein forms D1073E.
Identifiers: ClinVar variation 3649393 (VCV003649393.2).